The following is an entry in ClinVar:

ClinVar aggregate classification (germline): Uncertain significance (1 of 4 stars; one submission).

Submission:

Labcorp Genetics (formerly Invitae), Labcorp
Classification: Uncertain significance. Last evaluated: 2022-07-15. Review status: criteria provided, single submitter. Criteria: Invitae Variant Classification Sherloc (09022015). Collection method: clinical testing. Allele origin: germline.
Comment: In summary, the available evidence is currently insufficient to determine the role of this variant in disease. Therefore, it has been classified as a Variant of Uncertain Significance. Algorithms developed to predict the effect of missense changes on protein structure and function output the following: SIFT: "Tolerated"; PolyPhen-2: "Benign"; Align-GVGD: "Class C0". The leucine amino acid residue is found in multiple mammalian species, which suggests that this missense change does not adversely affect protein function. This variant has not been reported in the literature in individuals affected with TONSL-related conditions. This variant is not present in population databases (gnomAD no frequency). This sequence change replaces proline, which is neutral and non-polar, with leucine, which is neutral and non-polar, at codon 760 of the TONSL protein (p.Pro760Leu).

NM_013432.5(TONSL):c.2279C>T (p.Pro760Leu)

Genes: TONSL (tonsoku like, DNA repair protein; minus strand), TONSL-AS1 (TONSL antisense RNA 1; plus strand). Cytogenetic location: 8q24.3.
Variant type: single nucleotide variant.
Coding change: c.2279C>T on transcript NM_013432.5 (MANE Select); coding-DNA position 2279, C replaced by T.
Protein change: p.Pro760Leu; replaces proline 760 with leucine.
Molecular consequence: missense variant.
Genome position (GRCh38, 1-based): chr8:144,436,154, G>A on the plus strand (C>T on the coding strand, the complement: TONSL is on the minus strand). VCF-style: chr8-144436154-G-A. GRCh37 (hg19) VCF-style: chr8-145661537-G-A.
Other names: short protein forms P760L.
Identifiers: ClinVar variation 1955654 (VCV001955654.5), dbSNP rs2537488793, ClinGen allele CA372656319.